The following is an entry in ClinVar:

NC_000003.11:g.(?_10183598)_(10206573_?)del

Genes: IRAK2 (interleukin 1 receptor associated kinase 2; plus strand), VHL (von Hippel-Lindau tumor suppressor; plus strand). Cytogenetic location: 3p25.3.
Variant type: Deletion.
Identifiers: ClinVar variation 3246834 (VCV003246834.1).

ClinVar aggregate classification (germline): Pathogenic (1 of 4 stars; one submission).

Conditions:
Chuvash polycythemia. Also called: POLYCYTHEMIA, VHL-DEPENDENT. Identifiers: Orphanet 238557, MedGen C1837915, MONDO:0009892, OMIM 263400.
Von Hippel-Lindau syndrome (VHLS). Also called: VHL syndrome; Von Hippel-Lindau; von Hippel–Lindau syndrome. Identifiers: Orphanet 892, MedGen C0019562, MONDO:0008667, OMIM 193300. Disease mechanism: loss of function.

Submission:

Labcorp Genetics (formerly Invitae), Labcorp
Classification: Pathogenic for Von Hippel-Lindau syndrome; Chuvash polycythemia. Last evaluated: 2023-05-02. Review status: criteria provided, single submitter. Criteria: Invitae Variant Classification Sherloc (09022015). Collection method: clinical testing. Allele origin: unknown.
Comment: For these reasons, this variant has been classified as Pathogenic. This variant disrupts a region of the VHL protein in which other variant(s) (p.Arg64Pro) have been determined to be pathogenic (PMID: 9663592, 17102083, 17661816, 19336503, 24555745). This suggests that this is a clinically significant region of the protein, and that variants that disrupt it are likely to be disease-causing. This variant has not been reported in the literature in individuals affected with VHL-related conditions. This variant results in the deletion of exons 2-3 and part of exon 1 (c.67_*14924delinsCCGAG) of the VHL gene. While this deletion is not anticipated to lead to nonsense mediated decay, it is expected to alter mRNA translation or result in a truncated protein product.

Literature cited by the submitters: PubMed 9663592; PubMed 17102083; PubMed 17661816; PubMed 19336503; PubMed 24555745.